The following is an entry in ClinVar:

ClinVar aggregate classification (germline): Uncertain significance (1 of 4 stars; one submission).

Conditions:
Deficiency of adenosine deaminase 2. Also called: Polyarteritis nodosa, childhoood-onset; Adenosine Deaminase 2 Deficiency; VASCULITIS, AUTOINFLAMMATION, IMMUNODEFICIENCY, AND HEMATOLOGIC DEFECTS SYNDROME. Identifiers: Orphanet 404553, MedGen C3887654, MONDO:0014306, OMIM 615688, MONDO:0100317.

Allele frequency attached by ClinVar (database versions not stated): gnomAD 0.00001; gnomAD exomes 0.00001; TOPMed 0.00001.
gnomAD v4.1: 18 of 1,613,398 alleles (0.0011%); highest among the groups gnomAD compares: Admixed American, 0.005%; no homozygotes.

Submission:

Labcorp Genetics (formerly Invitae), Labcorp
Classification: Uncertain significance for Deficiency of adenosine deaminase 2. Last evaluated: 2024-12-08. Review status: criteria provided, single submitter. Criteria: Invitae Variant Classification Sherloc (09022015). Collection method: clinical testing. Allele origin: germline.
Comment: This sequence change replaces alanine, which is neutral and non-polar, with threonine, which is neutral and polar, at codon 302 of the ADA2 protein (p.Ala302Thr). This variant is present in population databases (no rsID available, gnomAD 0.006%). This variant has not been reported in the literature in individuals affected with ADA2-related conditions. ClinVar contains an entry for this variant (Variation ID: 2171548). Invitae Evidence Modeling of protein sequence and biophysical properties (such as structural, functional, and spatial information, amino acid conservation, physicochemical variation, residue mobility, and thermodynamic stability) indicates that this missense variant is not expected to disrupt ADA2 protein function with a negative predictive value of 95%. In summary, the available evidence is currently insufficient to determine the role of this variant in disease. Therefore, it has been classified as a Variant of Uncertain Significance.

NM_001282225.2(ADA2):c.904G>A (p.Ala302Thr)

Gene: ADA2 (adenosine deaminase 2; minus strand). Cytogenetic location: 22q11.1.
Variant type: single nucleotide variant.
Coding change: c.904G>A on transcript NM_001282225.2 (MANE Select); coding-DNA position 904, G replaced by A.
Protein change: p.Ala302Thr; replaces alanine 302 with threonine.
Molecular consequence: missense variant.
Genome position (GRCh38, 1-based): chr22:17,190,010, C>T on the plus strand (G>A on the coding strand, the complement: ADA2 is on the minus strand). VCF-style: chr22-17190010-C-T. GRCh37 (hg19) VCF-style: chr22-17670900-C-T.
Other names: c.904G>A, p.Ala302Thr (NM_001282226.2); c.778G>A, p.Ala260Thr (NM_001282227.2, NM_001282228.2); c.544G>A, p.Ala182Thr (NM_001282229.2); c.181G>A, p.Ala61Thr (NM_177405.3); short protein forms A182T, A260T, A302T, A61T.
Identifiers: ClinVar variation 2171548 (VCV002171548.3), dbSNP rs1333898789, ClinGen allele CA410233791.
Genomic context (GRCh38, chr22:17,190,010, plus strand): 5'-ACCCTGCCACCACCGTGGGGAACTTGATTCGGAGCCCCATGGCCATTCGGATGGATTCTG[C>T]GATGACAGCCACATCTTTGGATCTGTGAGACAGACAGAGAAGCCAGGAGACAGTGCCCAG-3'
Protein context (NP_001269154.1, residues 292-312): DHRSKDVAVI[Ala302Thr]ESIRMAMGLR